The following is an entry in ClinVar:

NM_002296.4(LBR):c.1609T>G (p.Ser537Ala)

Gene: LBR (lamin B receptor; minus strand). Cytogenetic location: 1q42.12.
Variant type: single nucleotide variant.
Coding change: c.1609T>G on transcript NM_002296.4 (MANE Select); coding-DNA position 1609, T replaced by G.
Protein change: p.Ser537Ala; replaces serine 537 with alanine.
Molecular consequence: missense variant.
Genome position (GRCh38, 1-based): chr1:225,404,482, A>C on the plus strand (T>G on the coding strand, the complement: LBR is on the minus strand). VCF-style: chr1-225404482-A-C. GRCh37 (hg19) VCF-style: chr1-225592184-A-C.
Other names: c.1609T>G, p.Ser537Ala (NM_194442.3); short protein forms S537A.
Identifiers: ClinVar variation 235704 (VCV000235704.30), dbSNP rs80299691, ClinGen allele CA1417079.

ClinVar aggregate classification (germline): Conflicting classifications of pathogenicity. Review status: criteria provided, conflicting classifications (1 of 4 stars). 9 submissions from 9 submitters: Uncertain significance (1); Benign (4); Likely benign (4). Last evaluated 2026-01-29.

Conditions:
Connective tissue disorder. Also called: Connective tissue disease. Identifiers: MedGen C0009782, MONDO:0003900.
Greenberg dysplasia (GRBGD). Also called: HEM SKELETAL DYSPLASIA; MOTH-EATEN SKELETAL DYSPLASIA; CHONDRODYSTROPHY, HYDROPIC AND PRENATALLY LETHAL TYPE. Identifiers: Orphanet 1426, MedGen C2931048, MONDO:0008974, OMIM 215140.

Allele frequency attached by ClinVar (database versions not stated): gnomAD exomes 0.00052 and 0.00124; ExAC 0.00158; gnomAD 0.00417 and 0.00426; TOPMed 0.00493; ESP Exome Variant Server 0.00523; 1000 Genomes Project 0.00719; 1000 Genomes Project 30x 0.00734.
gnomAD v4.1: 1,442 of 1,613,984 alleles (0.089%); highest among the groups gnomAD compares: African/African-American, 1.6%; 9 homozygotes.

Submissions (9):

Labcorp Genetics (formerly Invitae), Labcorp
Classification: Benign. Last evaluated: 2026-01-29. Review status: criteria provided, single submitter. Criteria: Invitae Variant Classification Sherloc (09022015). Collection method: clinical testing. Allele origin: germline.

Blueprint Genetics
Classification: Likely benign. Last evaluated: 2024-11-05. Review status: criteria provided, single submitter. Criteria: ACMG Guidelines, 2015. Collection method: clinical testing. Allele origin: germline.

Genome Diagnostics Laboratory, The Hospital for Sick Children
Classification: Uncertain significance for Connective tissue disorder. Last evaluated: 2020-10-28. Review status: criteria provided, single submitter. Criteria: ACMG Guidelines, 2015. Collection method: clinical testing. Allele origin: germline.

GeneDx
Classification: Benign. Last evaluated: 2019-02-08. Review status: criteria provided, single submitter. Criteria: GeneDx Variant Classification Process June 2021. Collection method: clinical testing. Allele origin: germline. Affected: yes.

Athena Diagnostics
Classification: Benign. Last evaluated: 2018-03-05. Review status: criteria provided, single submitter. Criteria: Athena Diagnostics Criteria. Collection method: clinical testing. Allele origin: germline.

Illumina Laboratory Services, Illumina
Classification: Benign for Greenberg dysplasia. Last evaluated: 2018-01-13. Review status: criteria provided, single submitter. Criteria: ICSL Variant Classification Criteria 13 December 2019. Collection method: clinical testing. Allele origin: germline.
Comment: This variant was observed in the ICSL laboratory as part of a predisposition screen in an ostensibly healthy population. It had not been previously curated by ICSL or reported in the Human Gene Mutation Database (HGMD: prior to June 1st, 2018), and was therefore a candidate for classification through an automated scoring system. Utilizing variant allele frequency, disease prevalence and penetrance estimates, and inheritance mode, an automated score was calculated to assess if this variant is too frequent to cause the disease. Based on the score and internal cut-off values, a variant classified as benign is not then subjected to further curation. The score for this variant resulted in a classification of benign for this disease.

ARUP Laboratories, Molecular Genetics and Genomics, ARUP Laboratories
Classification: Likely benign. Last evaluated: 2017-05-21. Review status: criteria provided, single submitter. Criteria: ARUP Molecular Germline Variant Investigation Process. Collection method: clinical testing. Allele origin: germline.
Comment: This variant has not been reported in individuals with skeletal dysplasia (rs80299691). The p.Ser537Ala variant is listed in the Genome Aggregation Consortium browser with an allele frequency of 1.62 percent (identified on 390 out of 24,030 chromosomes, including 1 homozygote) in the African populations and with an overall allele frequency of 0.15 percent (identified on 426 out of 277,154 chromosomes, including 1 homozygote). It has been reported to ClinVar (Variation ID 235704).

Center for Pediatric Genomic Medicine, Children's Mercy Hospital and Clinics
Classification: Likely benign. Last evaluated: 2015-06-12. Review status: criteria provided, single submitter. Criteria: ACMG Guidelines, 2015. Collection method: clinical testing. Allele origin: germline.
ClinVar note: Converted during submission from Likely Benign to Likely benign.

Breakthrough Genomics
Classification: Likely benign. Review status: criteria provided, single submitter. Criteria: ACMG Guidelines, 2015. Collection method: not provided. Allele origin: germline. Inheritance: Autosomal recessive inheritance. Affected: yes.